The following is an entry in ClinVar:

ClinVar aggregate classification (germline): Uncertain significance (1 of 4 stars; one submission).

gnomAD v4.1: 4 of 1,614,006 alleles (0.00025%); highest among the groups gnomAD compares: Admixed American, 0.0017%; no homozygotes.

Submission:

Labcorp Genetics (formerly Invitae), Labcorp
Classification: Uncertain significance. Last evaluated: 2024-07-03. Review status: criteria provided, single submitter. Criteria: Invitae Variant Classification Sherloc (09022015). Collection method: clinical testing. Allele origin: germline.
Comment: This sequence change replaces arginine, which is basic and polar, with leucine, which is neutral and non-polar, at codon 204 of the MCM2 protein (p.Arg204Leu). This variant is not present in population databases (gnomAD no frequency). This variant has not been reported in the literature in individuals affected with MCM2-related conditions. Advanced modeling of protein sequence and biophysical properties (such as structural, functional, and spatial information, amino acid conservation, physicochemical variation, residue mobility, and thermodynamic stability) performed at Invitae indicates that this missense variant is not expected to disrupt MCM2 protein function with a negative predictive value of 80%. In summary, the available evidence is currently insufficient to determine the role of this variant in disease. Therefore, it has been classified as a Variant of Uncertain Significance.

NM_004526.4(MCM2):c.611G>T (p.Arg204Leu)

Gene: MCM2 (minichromosome maintenance complex component 2; plus strand). Cytogenetic location: 3q21.3.
Variant type: single nucleotide variant.
Coding change: c.611G>T on transcript NM_004526.4 (MANE Select); coding-DNA position 611, G replaced by T.
Protein change: p.Arg204Leu; replaces arginine 204 with leucine.
Molecular consequence: missense variant. On other transcripts: non-coding transcript variant (1).
Genome position (GRCh38, 1-based): chr3:127,605,094, G>T. VCF-style: chr3-127605094-G-T. GRCh37 (hg19) VCF-style: chr3-127323937-G-T.
Other names: short protein forms R204L.
Identifiers: ClinVar variation 3613587 (VCV003613587.2).
Genomic context (GRCh38, chr3:127,605,094, plus strand): 5'-AGTGGGTGAGCATGGCGGGCCCCCGGCTGGAGATCCACCACCGCTTCAAGAACTTCCTGC[G>T]CACTCACGTCGACAGCCACGGCCACAACGTCTTCAAGGAGCGCATCAGCGACATGTGCAA-3'
Protein context (NP_004517.2, residues 194-214): EIHHRFKNFL[Arg204Leu]THVDSHGHNV